The following is an entry in ClinVar:

ClinVar aggregate classification (germline): Likely benign. Review status: criteria provided, multiple submitters, no conflicts (2 of 4 stars). 2 submissions from 2 submitters: Likely benign (2). Last evaluated 2025-09-17.

Conditions:
Progressive sclerosing poliodystrophy (MTDPS4A). Also called: Alpers-Huttenlocher Syndrome (AHS); Alpers Syndrome; ALPERS PROGRESSIVE INFANTILE POLIODYSTROPHY; Mitochondrial DNA depletion syndrome 4A (Alpers type); ALPERS DIFFUSE DEGENERATION OF CEREBRAL GRAY MATTER WITH HEPATIC CIRRHOSIS; Alpers-Huttenlocher Syndrome. Identifiers: Orphanet 726, MedGen C0205710, MONDO:0008758, OMIM 203700.

Allele frequency attached by ClinVar (database versions not stated): gnomAD exomes below 0.00001; TOPMed below 0.00001; ExAC 0.00001; gnomAD 0.00001.
gnomAD v4.1: 3 of 1,569,252 alleles (0.00019%); highest among the groups gnomAD compares: Admixed American, 0.0033%; no homozygotes.

Submissions (2):

Labcorp Genetics (formerly Invitae), Labcorp
Classification: Likely benign for Progressive sclerosing poliodystrophy. Last evaluated: 2025-09-17. Review status: criteria provided, single submitter. Criteria: Invitae Variant Classification Sherloc (09022015). Collection method: clinical testing. Allele origin: germline.

Wong Mito Lab, Molecular and Human Genetics, Baylor College of Medicine
Classification: Likely benign for Progressive sclerosing poliodystrophy. Last evaluated: 2018-10-01. Review status: criteria provided, single submitter. Criteria: ACMG Guidelines, 2015. Collection method: clinical testing. Allele origin: germline.
Comment: The NM_002693.2:c.1949+14C>T (NP_002684.1:p.=) [GRCH38: NC_000015.10:g.89325436G>A] variant in POLG gene is interpretated to be a Likely Benign based on ACMG guidelines (PMID: 25741868). This variant meets the following evidence codes reported in the ACMG-guideline. BP4:Computational evidence/predictors indicate no impact on the POLG structure, function, or protein-protein interaction. BP2:The variant is observed in trans/cis with a dominant variant. Based on the evidence criteria codes applied, the variant is suggested to be Likely Benign.

NM_002693.3(POLG):c.1949+14C>T

Gene: POLG (DNA polymerase gamma, catalytic subunit; minus strand). Cytogenetic location: 15q26.1.
Variant type: single nucleotide variant.
Coding change: c.1949+14C>T on transcript NM_002693.3 (MANE Select); 14 bases into the intron after coding-DNA position 1949, C replaced by T.
Molecular consequence: intron variant.
Genome position (GRCh38, 1-based): chr15:89,325,436, G>A on the plus strand (C>T on the coding strand, the complement: POLG is on the minus strand). VCF-style: chr15-89325436-G-A. GRCh37 (hg19) VCF-style: chr15-89868667-G-A.
Other names: c.1949+14C>T (NM_001126131.2).
Identifiers: ClinVar variation 619383 (VCV000619383.4), dbSNP rs754016118, ClinGen allele CA7724655.